The following is an entry in ClinVar:

ClinVar aggregate classification (germline): Conflicting classifications of pathogenicity. Review status: criteria provided, conflicting classifications (1 of 4 stars). 6 submissions from 5 submitters: Uncertain significance (5); Likely benign (1). Last evaluated 2025-10-06.

Conditions:
Hereditary cancer-predisposing syndrome. Also called: Hereditary Cancer Syndrome; Neoplastic Syndromes, Hereditary; Tumor predisposition; Hereditary neoplastic syndrome. Identifiers: Orphanet 140162, MedGen C0027672, MeSH D009386, MONDO:0015356.
Cardiovascular phenotype. Identifiers: MedGen CN230736.
Neurofibromatosis, type 1 (NF1). Also called: NEUROFIBROMATOSIS, TYPE I, SOMATIC; VON RECKLINGHAUSEN DISEASE; Peripheral type neurofibromatosis; Neurofibromatosis, type I. Identifiers: Orphanet 636, MedGen C0027831, MONDO:0018975, OMIM 162200. Disease mechanism: loss of function.

Allele frequency attached by ClinVar (database versions not stated): TOPMed below 0.00001; gnomAD 0.00001.
gnomAD v4.1: 4 of 1,614,018 alleles (0.00025%); highest among the groups gnomAD compares: Non-Finnish European, 0.00034%; no homozygotes.

Submissions (6):

Labcorp Genetics (formerly Invitae), Labcorp
Classification: Likely benign for Neurofibromatosis, type 1. Last evaluated: 2025-10-06. Review status: criteria provided, single submitter. Criteria: Invitae Variant Classification Sherloc (09022015). Collection method: clinical testing. Allele origin: germline.

GeneDx
Classification: Uncertain significance. Last evaluated: 2022-05-13. Review status: criteria provided, single submitter. Criteria: GeneDx Variant Classification Process June 2021. Collection method: clinical testing. Allele origin: germline. Affected: yes.
Comment: In silico analysis supports that this missense variant does not alter protein structure/function; Has not been previously published as pathogenic or benign to our knowledge

Genome-Nilou Lab
Classification: Uncertain significance for Neurofibromatosis, type 1. Last evaluated: 2022-03-15. Review status: criteria provided, single submitter. Criteria: ACMG Guidelines, 2015. Collection method: clinical testing. Allele origin: germline. Affected: no.

Institute for Clinical Genetics, University Hospital TU Dresden, University Hospital TU Dresden
Classification: Uncertain significance. Last evaluated: 2021-11-03. Review status: criteria provided, single submitter. Criteria: ACMG Guidelines, 2015. Collection method: clinical testing. Allele origin: germline.

Ambry Genetics
Classification: Uncertain significance for Cardiovascular phenotype; Hereditary cancer-predisposing syndrome. Last evaluated: 2021-02-26. Review status: criteria provided, single submitter. Criteria: Ambry Variant Classification Scheme 2023. Collection method: clinical testing. Allele origin: germline.

Ambry Genetics
Classification: Uncertain significance for Hereditary cancer-predisposing syndrome. Last evaluated: 2014-08-06. Review status: criteria provided, single submitter. Criteria: Ambry Autosomal Dominant and X-Linked criteria (10/2015). Collection method: clinical testing. Allele origin: germline. Observed: 1 variant allele.
Comment: The p.I1820L variant (also known as c.5458A>C), located in coding exon 38 of the NF1 gene, results from an A to C substitution at nucleotide position 5458. The isoleucine at codon 1820 is replaced by leucine, an amino acid with highly similar properties. This variant was not reported in population based cohorts in the following databases: Database of Single Nucleotide Polymorphisms (dbSNP), NHLBI Exome Sequencing Project (ESP), and 1000 Genomes Project. In the ESP, this variant was not observed in 6503 samples (13006 alleles) with coverage at this position. To date, this alteration has been detected with an allele frequency of approximately 0.01% (greater than 11000 alleles tested) in our clinical cohort. This amino acid position is highly conserved in available vertebrate species. In addition, this alteration is predicted to be possibly damaging and deleterious by PolyPhen and SIFT in silico analyses, respectively. Since supporting evidence is limited at this time, the clinical significance of p.I1820L remains unclear.

NM_001042492.3(NF1):c.5458A>C (p.Ile1820Leu)

Gene: NF1 (neurofibromin 1; plus strand). Cytogenetic location: 17q11.2.
Variant type: single nucleotide variant.
Coding change: c.5458A>C on transcript NM_001042492.3 (MANE Select); coding-DNA position 5458, A replaced by C.
Protein change: p.Ile1820Leu; replaces isoleucine 1820 with leucine.
Molecular consequence: missense variant.
Genome position (GRCh38, 1-based): chr17:31,327,688, A>C. VCF-style: chr17-31327688-A-C. GRCh37 (hg19) VCF-style: chr17-29654706-A-C.
Other names: c.5458A>C (NM_001042492.1); c.5395A>C, p.Ile1799Leu (NM_000267.4); short protein forms I1799L, I1820L.
Identifiers: ClinVar variation 185791 (VCV000185791.17), dbSNP rs786202459, ClinGen allele CA192960.